The following is an entry in ClinVar:

ClinVar aggregate classification (germline): Uncertain significance (1 of 4 stars; one submission).

Conditions:
Primary ciliary dyskinesia 33. Also called: CILIARY DYSKINESIA, PRIMARY, 33, WITHOUT SITUS INVERSUS. Identifiers: Orphanet 244, MedGen C4225230, MONDO:0014750, OMIM 616726.

Submission:

Labcorp Genetics (formerly Invitae), Labcorp
Classification: Uncertain significance for Primary ciliary dyskinesia 33. Last evaluated: 2020-11-11. Review status: criteria provided, single submitter. Criteria: Invitae Variant Classification Sherloc (09022015). Collection method: clinical testing. Allele origin: germline.
Comment: Algorithms developed to predict the effect of missense changes on protein structure and function (SIFT, PolyPhen-2, Align-GVGD) all suggest that this variant is likely to be tolerated, but these predictions have not been confirmed by published functional studies and their clinical significance is uncertain. In summary, the available evidence is currently insufficient to determine the role of this variant in disease. Therefore, it has been classified as a Variant of Uncertain Significance. This sequence change replaces asparagine with lysine at codon 112 of the GAS8 protein (p.Asn112Lys). The asparagine residue is moderately conserved and there is a moderate physicochemical difference between asparagine and lysine. This variant has not been reported in the literature in individuals with GAS8-related conditions. This variant is not present in population databases (ExAC no frequency).

NM_001481.3(DRC4):c.336C>G (p.Asn112Lys)

Gene: DRC4 (dynein regulatory complex subunit 4; plus strand). Cytogenetic location: 16q24.3.
Variant type: single nucleotide variant.
Coding change: c.336C>G on transcript NM_001481.3 (MANE Select); coding-DNA position 336, C replaced by G.
Protein change: p.Asn112Lys; replaces asparagine 112 with lysine.
Molecular consequence: missense variant. On other transcripts: 5 prime UTR variant (1).
Genome position (GRCh38, 1-based): chr16:90,032,765, C>G. VCF-style: chr16-90032765-C-G. GRCh37 (hg19) VCF-style: chr16-90099173-C-G.
Other names: c.87C>G, p.Asn29Lys (NM_001286205.2); c.-186C>G (NM_001286208.2); c.261C>G, p.Asn87Lys (NM_001286209.2); short protein forms N87K, N112K, N29K.
Identifiers: ClinVar variation 1346305 (VCV001346305.8), dbSNP rs2151284701, ClinGen allele CA397462223.